The following is an entry in ClinVar:

NM_000268.4(NF2):c.49A>G (p.Lys17Glu)

Gene: NF2 (NF2, moesin-ezrin-radixin like (MERLIN) tumor suppressor; plus strand). Cytogenetic location: 22q12.2.
Variant type: single nucleotide variant.
Coding change: c.49A>G on transcript NM_000268.4 (MANE Select); coding-DNA position 49, A replaced by G.
Protein change: p.Lys17Glu; replaces lysine 17 with glutamic acid.
Molecular consequence: missense variant. On other transcripts: non-coding transcript variant (1).
Genome position (GRCh38, 1-based): chr22:29,604,047, A>G. VCF-style: chr22-29604047-A-G. GRCh37 (hg19) VCF-style: chr22-30000036-A-G.
Other names: c.-182A>G (NM_001407053.1, NM_001407056.1); c.49A>G, p.Lys17Glu (NM_001407054.1, NM_001407055.1, NM_001407057.1 and 15 more transcripts); c.-592A>G (NM_001407065.1); c.-208A>G (NM_001407067.1); short protein forms K17E.
Identifiers: ClinVar variation 2045796 (VCV002045796.4), dbSNP rs1006592023, ClinGen allele CA411145934.
Genomic context (GRCh38, chr22:29,604,047, plus strand): 5'-GAGCCCCGCGCCATGGCCGGGGCCATCGCTTCCCGCATGAGCTTCAGCTCTCTCAAGAGG[A>G]AGCAACCCAAGACGTTCACCGTGAGGATCGTCACCATGGACGCCGAGATGGAGTTCAATT-3'
Protein context (NP_000259.1, residues 7-27): SRMSFSSLKR[Lys17Glu]QPKTFTVRIV

ClinVar aggregate classification (germline): Uncertain significance (1 of 4 stars; one submission).

Conditions:
Neurofibromatosis, type 2 (SWNV). Also called: NF2-Related Schwannomatosis; BILATERAL ACOUSTIC NEUROFIBROMATOSIS; SCHWANNOMATOSIS, VESTIBULAR. Identifiers: Orphanet 637, MedGen C0027832, MONDO:0007039, OMIM 101000. Disease mechanism: loss of function.

Submission:

Labcorp Genetics (formerly Invitae), Labcorp
Classification: Uncertain significance for Neurofibromatosis, type 2. Last evaluated: 2021-12-24. Review status: criteria provided, single submitter. Criteria: Invitae Variant Classification Sherloc (09022015). Collection method: clinical testing. Allele origin: germline.
Comment: This sequence change replaces lysine, which is basic and polar, with glutamic acid, which is acidic and polar, at codon 17 of the NF2 protein (p.Lys17Glu). This variant is not present in population databases (gnomAD no frequency). This variant has not been reported in the literature in individuals affected with NF2-related conditions. Algorithms developed to predict the effect of missense changes on protein structure and function are either unavailable or do not agree on the potential impact of this missense change (SIFT: "Deleterious"; PolyPhen-2: "Probably Damaging"; Align-GVGD: "Class C0"). In summary, the available evidence is currently insufficient to determine the role of this variant in disease. Therefore, it has been classified as a Variant of Uncertain Significance.